The following is an entry in ClinVar:

ClinVar aggregate classification (germline): Conflicting classifications of pathogenicity. Review status: criteria provided, conflicting classifications (1 of 4 stars). 2 submissions from 2 submitters: Uncertain significance (1); Likely benign (1). Last evaluated 2024-09-20.

Conditions:
3-methylglutaconic aciduria with deafness, encephalopathy, and Leigh-like syndrome (MEGDEL). Also called: 3-METHYLGLUTACONIC ACIDURIA, TYPE VI; MEGDEL syndrome; SERAC1 Deficiency. Identifiers: Orphanet 352328, MedGen C4040739, MONDO:0013875, OMIM 614739.

Allele frequency attached by ClinVar (database versions not stated): gnomAD exomes 0.00001 and 0.00002; ExAC 0.00002.
gnomAD v4.1: 14 of 1,612,042 alleles (0.00087%); highest among the groups gnomAD compares: Middle Eastern, 0.13%; no homozygotes.

Submissions (2):

3billion
Classification: Likely benign for 3-methylglutaconic aciduria with deafness, encephalopathy, and Leigh-like syndrome. Last evaluated: 2024-09-20. Review status: criteria provided, single submitter. Criteria: ACMG Guidelines, 2015. Collection method: clinical testing. Allele origin: germline. Affected: no.
Comment: The homozygous variant was found in patients diagnosed with another variant in a different gene, with no symptoms related to the gene containing the homozygous variant.

Labcorp Genetics (formerly Invitae), Labcorp
Classification: Uncertain significance for 3-methylglutaconic aciduria with deafness, encephalopathy, and Leigh-like syndrome. Last evaluated: 2023-10-13. Review status: criteria provided, single submitter. Criteria: Invitae Variant Classification Sherloc (09022015). Collection method: clinical testing. Allele origin: germline.
Comment: This sequence change falls in intron 6 of the SERAC1 gene. It does not directly change the encoded amino acid sequence of the SERAC1 protein. It affects a nucleotide within the consensus splice site. This variant is present in population databases (rs748641688, gnomAD 0.003%). This variant has not been reported in the literature in individuals affected with SERAC1-related conditions. ClinVar contains an entry for this variant (Variation ID: 1354224). Variants that disrupt the consensus splice site are a relatively common cause of aberrant splicing (PMID: 17576681, 9536098). Algorithms developed to predict the effect of sequence changes on RNA splicing suggest that this variant may create or strengthen a splice site. In summary, the available evidence is currently insufficient to determine the role of this variant in disease. Therefore, it has been classified as a Variant of Uncertain Significance.

Literature cited by the submitters: PubMed 17576681 (cited by Labcorp Genetics (formerly Invitae), Labcorp); PubMed 9536098 (cited by Labcorp Genetics (formerly Invitae), Labcorp).

NM_032861.4(SERAC1):c.487+5T>C

Gene: SERAC1 (serine active site containing 1; minus strand). Cytogenetic location: 6q25.3.
Variant type: single nucleotide variant.
Coding change: c.487+5T>C on transcript NM_032861.4 (MANE Select); 5 bases into the intron after coding-DNA position 487, T replaced by C.
Molecular consequence: intron variant.
Genome position (GRCh38, 1-based): chr6:158,146,777, A>G on the plus strand (T>C on the coding strand, the complement: SERAC1 is on the minus strand). VCF-style: chr6-158146777-A-G. GRCh37 (hg19) VCF-style: chr6-158567809-A-G.
Identifiers: ClinVar variation 1354224 (VCV001354224.5), dbSNP rs748641688, ClinGen allele CA4071354.
Genomic context (GRCh38, chr6:158,146,777, plus strand): 5'-TGTCTTTTATGTCAGCAATCAAGAGCCAGCTGAAGGCATGCCACCTGTTCAGGTAGTCTC[A>G]TTACCATGCCAGTGATGGGTCTCCGACATTTCCCGCACAGCCTCGAGTCGCGTGGTTTTG-3'